The following is an entry in ClinVar:

NM_000075.4(CDK4):c.603C>G (p.Gly201=)

Gene: CDK4 (cyclin dependent kinase 4; minus strand). Cytogenetic location: 12q14.1.
Variant type: single nucleotide variant.
Coding change: c.603C>G on transcript NM_000075.4 (MANE Select); coding-DNA position 603, C replaced by G.
Protein change: p.Gly201=; no amino-acid change (glycine 201 retained).
Molecular consequence: synonymous variant.
Genome position (GRCh38, 1-based): chr12:57,750,685, G>C on the plus strand (C>G on the coding strand, the complement: CDK4 is on the minus strand). VCF-style: chr12-57750685-G-C. GRCh37 (hg19) VCF-style: chr12-58144468-G-C.
Identifiers: ClinVar variation 1143350 (VCV001143350.10), dbSNP rs2140385667, ClinGen allele CA480301061.
Genomic context (GRCh38, chr12:57,750,685, plus strand): 5'-CAAGGTAGTCCAGGGTATGTGGGTCCCATACTTTCGACGAAACATCTCTGCAAAGATACA[G>C]CCAACACTCCACATGTCCACAGGTGTTGCATATGTGGACTGCAGAAGAACTTCGGGAGCT-3'
Protein context (NP_000066.1, residues 191-211): YATPVDMWSV[Gly201=]CIFAEMFRRK

ClinVar aggregate classification (germline): Benign/Likely benign. Review status: criteria provided, multiple submitters, no conflicts (2 of 4 stars). 2 submissions from 2 submitters: Benign (1); Likely benign (1). Last evaluated 2024-09-26.

Conditions:
Familial melanoma. Also called: Hereditary melanoma; Hereditary cutaneous melanoma. Identifiers: Orphanet 618, MedGen C1512419, MONDO:0018961.
Melanoma, cutaneous malignant, susceptibility to, 3. Also called: Cutaneous malignant melanoma 3. Identifiers: Orphanet 618, MedGen C1836892, MONDO:0012183, OMIM 609048.

Submissions (2):

Myriad Genetics, Inc.
Classification: Benign for Melanoma, cutaneous malignant, susceptibility to, 3. Last evaluated: 2024-09-26. Review status: criteria provided, single submitter. Criteria: Myriad Autosomal Dominant, Autosomal Recessive and X-Linked Classification Criteria (2023). Collection method: clinical testing. Allele origin: unknown.
Comment: This variant is considered benign. This variant is a silent/synonymous amino acid change and it is not expected to impact splicing.

Labcorp Genetics (formerly Invitae), Labcorp
Classification: Likely benign for Familial melanoma. Last evaluated: 2022-09-08. Review status: criteria provided, single submitter. Criteria: Invitae Variant Classification Sherloc (09022015). Collection method: clinical testing. Allele origin: germline.